The following is an entry in ClinVar:

ClinVar aggregate classification (germline): Uncertain significance (1 of 4 stars; one submission).

Conditions:
T-cell immunodeficiency, congenital alopecia, and nail dystrophy. Also called: Congenital alopecia and nail dystrophy associated with severe functional T-cell immunodeficiency; Pignata Guarino syndrome. Identifiers: Orphanet 169095, MedGen C1866426, MONDO:0011132, OMIM 601705.

gnomAD v4.1: 23 of 1,609,278 alleles (0.0014%); highest among the groups gnomAD compares: Non-Finnish European, 0.0018%; no homozygotes.

Submission:

Labcorp Genetics (formerly Invitae), Labcorp
Classification: Uncertain significance for T-cell immunodeficiency, congenital alopecia, and nail dystrophy. Last evaluated: 2021-09-24. Review status: criteria provided, single submitter. Criteria: Invitae Variant Classification Sherloc (09022015). Collection method: clinical testing. Allele origin: germline.
Comment: This sequence change replaces proline with glutamine at codon 31 of the FOXN1 protein (p.Pro31Gln). The proline residue is moderately conserved and there is a moderate physicochemical difference between proline and glutamine. This variant is not present in population databases (ExAC no frequency). This variant has not been reported in the literature in individuals with FOXN1-related conditions. Algorithms developed to predict the effect of missense changes on protein structure and function (SIFT, PolyPhen-2, Align-GVGD) all suggest that this variant is likely to be tolerated, but these predictions have not been confirmed by published functional studies and their clinical significance is uncertain. In summary, the available evidence is currently insufficient to determine the role of this variant in disease. Therefore, it has been classified as a Variant of Uncertain Significance.

NM_001369369.1(FOXN1):c.92C>A (p.Pro31Gln)

Gene: FOXN1 (forkhead box N1; plus strand). Cytogenetic location: 17q11.2.
Variant type: single nucleotide variant.
Coding change: c.92C>A on transcript NM_001369369.1 (MANE Select); coding-DNA position 92, C replaced by A.
Protein change: p.Pro31Gln; replaces proline 31 with glutamine.
Molecular consequence: missense variant.
Genome position (GRCh38, 1-based): chr17:28,524,061, C>A. VCF-style: chr17-28524061-C-A. GRCh37 (hg19) VCF-style: chr17-26851079-C-A.
Other names: c.92C>A, p.Pro31Gln (NM_003593.3); short protein forms P31Q.
Identifiers: ClinVar variation 1494979 (VCV001494979.5), dbSNP rs771909592, ClinGen allele CA398320292.